The following is an entry in ClinVar:

NM_007294.4(BRCA1):c.2175C>G (p.Ser725Arg)

Gene: BRCA1 (BRCA1 DNA repair associated; minus strand). Cytogenetic location: 17q21.31.
Variant type: single nucleotide variant.
Coding change: c.2175C>G on transcript NM_007294.4 (MANE Select); coding-DNA position 2175, C replaced by G.
Protein change: p.Ser725Arg; replaces serine 725 with arginine.
Molecular consequence: missense variant. On other transcripts: intron variant (137).
Genome position (GRCh38, 1-based): chr17:43,093,356, G>C on the plus strand (C>G on the coding strand, the complement: BRCA1 is on the minus strand). VCF-style: chr17-43093356-G-C. GRCh37 (hg19) VCF-style: chr17-41245373-G-C.
Other names: c.2172C>G, p.Ser724Arg (NM_001407635.1, NM_001407636.1, NM_001407637.1 and 22 more transcripts); c.2175C>G, p.Ser725Arg (NM_001407639.1, NM_001407640.1, NM_001407641.1 and 30 more transcripts); c.2166C>G, p.Ser722Arg (NM_001407646.1, NM_001407647.1); c.2052C>G, p.Ser684Arg (NM_001407648.1, NM_001407674.1, NM_001407675.1 and 19 more transcripts); c.2049C>G, p.Ser683Arg (NM_001407649.1, NM_001407670.1, NM_001407671.1 and 11 more transcripts); c.2097C>G, p.Ser699Arg (NM_001407653.1, NM_001407654.1, NM_001407655.1 and 4 more transcripts); c.2094C>G, p.Ser698Arg (NM_001407659.1, NM_001407660.1, NM_001407661.1 and 1 more transcripts); c.2034C>G, p.Ser678Arg (NM_001407945.1, NM_007297.4, NM_001407692.1 and 29 more transcripts); and 41 more; short protein forms S636R, S678R, S598R, S677R, S684R, S699R, S557R, S614R.
Identifiers: ClinVar variation 1992952 (VCV001992952.6), dbSNP rs273898680, ClinGen allele CA10597652.
Genomic context (GRCh38, chr17:43,093,356, plus strand): 5'-TTCAGCATTATTAGACACTTTAACTGTTTCTAGTTTCTCTTCTTTTTCTTCTCTTGGAAG[G>C]CTAGGATTGACAAATTCTTTAAGTTCACTGGTATTTGAACACTTAGTAAAAGAACCAGGT-3'
Protein context (NP_009225.1, residues 715-735): TSELKEFVNP[Ser725Arg]LPREEKEEKL

ClinVar aggregate classification (germline): Conflicting classifications of pathogenicity. Review status: criteria provided, conflicting classifications (1 of 4 stars). 2 submissions from 2 submitters: Uncertain significance (1); Likely benign (1). Last evaluated 2023-03-23.

Conditions:
Hereditary cancer-predisposing syndrome. Also called: Tumor predisposition; Hereditary Cancer Syndrome; Hereditary neoplastic syndrome; Neoplastic Syndromes, Hereditary. Identifiers: Orphanet 140162, MedGen C0027672, MeSH D009386, MONDO:0015356.
Hereditary breast ovarian cancer syndrome. Also called: BRCA1- and BRCA2-Associated Hereditary Breast and Ovarian Cancer; Hereditary breast and ovarian cancer; Hereditary breast and ovarian cancer syndrome (HBOC); Hereditary breast and/or ovarian cancer syndrome; Hereditary breast and ovarian cancer syndrome; Breast and ovarian cancer. Identifiers: Orphanet 145, MedGen C0677776, MeSH D061325, MONDO:0003582. Disease mechanism: loss of function.

Submissions (2):

University of Washington Department of Laboratory Medicine, University of Washington
Classification: Likely benign for Hereditary cancer-predisposing syndrome. Last evaluated: 2023-03-23. Review status: criteria provided, single submitter. Criteria: Dines et al. (Genet Med. 2020). Collection method: curation. Allele origin: germline.
Comment: Missense variant in a coldspot region where missense variants are very unlikely to be pathogenic (PMID:31911673).

BRCA1 coldspot (exon 11 using historical exon numbering). Reclassification based on statistical prior probability

Labcorp Genetics (formerly Invitae), Labcorp
Classification: Uncertain significance for Hereditary breast ovarian cancer syndrome. Last evaluated: 2022-05-11. Review status: criteria provided, single submitter. Criteria: Invitae Variant Classification Sherloc (09022015). Collection method: clinical testing. Allele origin: germline.
Comment: In summary, the available evidence is currently insufficient to determine the role of this variant in disease. Therefore, it has been classified as a Variant of Uncertain Significance. This sequence change replaces serine, which is neutral and polar, with arginine, which is basic and polar, at codon 725 of the BRCA1 protein (p.Ser725Arg). This variant is not present in population databases (gnomAD no frequency). This variant has not been reported in the literature in individuals affected with BRCA1-related conditions. Advanced modeling of protein sequence and biophysical properties (such as structural, functional, and spatial information, amino acid conservation, physicochemical variation, residue mobility, and thermodynamic stability) performed at Invitae indicates that this missense variant is not expected to disrupt BRCA1 protein function.